The following is an entry in ClinVar:

NM_002382.5(MAX):c.376G>T (p.Ala126Ser)

Gene: MAX (MYC associated transcriptional regulator X; minus strand). Cytogenetic location: 14q23.3.
Variant type: single nucleotide variant.
Coding change: c.376G>T on transcript NM_002382.5 (MANE Select); coding-DNA position 376, G replaced by T.
Protein change: p.Ala126Ser; replaces alanine 126 with serine.
Molecular consequence: missense variant. On other transcripts: 3 prime UTR variant (1), intron variant (2).
Genome position (GRCh38, 1-based): chr14:65,076,583, C>A on the plus strand (G>T on the coding strand, the complement: MAX is on the minus strand). VCF-style: chr14-65076583-C-A. GRCh37 (hg19) VCF-style: chr14-65543301-C-A.
Other names: c.187G>T, p.Ala63Ser (NM_001407106.1, NM_001407107.1, NM_001320415.2 and 1 more transcripts); c.*149G>T (NM_001407108.1, NM_001407096.1, NM_001407099.1 and 2 more transcripts); c.*165G>T (NM_001407109.1, NM_001407110.1, NM_145113.3 and 4 more transcripts); c.175G>T, p.Ala59Ser (NM_001407111.1, NM_001407112.1); c.349G>T, p.Ala117Ser (NM_145112.3, NM_001407095.1); c.376G>T, p.Ala126Ser (NM_001407094.1); c.268G>T, p.Ala90Ser (NM_001407098.1); c.144+17125G>T (NM_001271069.2); and 1 more; short protein forms A126S, A117S, A63S, A59S, A90S.
Identifiers: ClinVar variation 841737 (VCV000841737.10), dbSNP rs779789251, ClinGen allele CA390031728.

ClinVar aggregate classification (germline): Uncertain significance (1 of 4 stars; one submission).

Conditions:
Hereditary pheochromocytoma and paraganglioma. Also called: Hereditary pheochromocytoma-paraganglioma; Hereditary paragangliomas and pheochromocytomas; Hereditary Paraganglioma-Pheochromocytoma Syndromes. Identifiers: Orphanet 29072, MedGen C4274332, MONDO:0017366.

Submission:

Labcorp Genetics (formerly Invitae), Labcorp
Classification: Uncertain significance for Hereditary pheochromocytoma and paraganglioma. Last evaluated: 2019-04-24. Review status: criteria provided, single submitter. Criteria: Invitae Variant Classification Sherloc (09022015). Collection method: clinical testing. Allele origin: germline.
Comment: In summary, the available evidence is currently insufficient to determine the role of this variant in disease. Therefore, it has been classified as a Variant of Uncertain Significance. This sequence change replaces alanine with serine at codon 126 of the MAX protein (p.Ala126Ser). The alanine residue is moderately conserved and there is a moderate physicochemical difference between alanine and serine. This variant is not present in population databases (ExAC no frequency). This variant has not been reported in the literature in individuals with MAX-related conditions. Algorithms developed to predict the effect of missense changes on protein structure and function output the following: SIFT: "Tolerated"; PolyPhen-2: "Benign"; Align-GVGD: "Class C0". The serine amino acid residue is found in multiple mammalian species, suggesting that this missense change does not adversely affect protein function. These predictions have not been confirmed by published functional studies and their clinical significance is uncertain.